The following is an entry in ClinVar:

NM_002529.4(NTRK1):c.988A>G (p.Thr330Ala)

Gene: NTRK1 (neurotrophic receptor tyrosine kinase 1; plus strand). Cytogenetic location: 1q23.1.
Variant type: single nucleotide variant.
Coding change: c.988A>G on transcript NM_002529.4 (MANE Select); coding-DNA position 988, A replaced by G.
Protein change: p.Thr330Ala; replaces threonine 330 with alanine.
Molecular consequence: missense variant.
Genome position (GRCh38, 1-based): chr1:156,873,770, A>G. VCF-style: chr1-156873770-A-G. GRCh37 (hg19) VCF-style: chr1-156843562-A-G.
Other names: c.898A>G, p.Thr300Ala (NM_001007792.1); c.988A>G, p.Thr330Ala (NM_001012331.2); short protein forms T330A, T300A.
Identifiers: ClinVar variation 655613 (VCV000655613.9), dbSNP rs779155543, ClinGen allele CA1169163.
Genomic context (GRCh38, chr1:156,873,770, plus strand): 5'-GCACCGTCTCTGCGCTGGCTCTTCAATGGCTCCGTGCTCAATGAGACCAGCTTCATCTTC[A>G]CTGAGTTCCTGGAGCCGGCAGCCAATGAGACCGTGCGGCACGGGTGTCTGCGCCTCAACC-3'
Protein context (NP_002520.2, residues 320-340): SVLNETSFIF[Thr330Ala]EFLEPAANET

ClinVar aggregate classification (germline): Uncertain significance. Review status: criteria provided, multiple submitters, no conflicts (2 of 4 stars). 4 submissions from 4 submitters: Uncertain significance (4). Last evaluated 2026-02-19.

Conditions:
Hereditary insensitivity to pain with anhidrosis (CIPA). Also called: NTRK1 Congenital Insensitivity to Pain with Anhidrosis; HSAN Type IV; FAMILIAL DYSAUTONOMIA, TYPE II; hereditary sensory and autonomic neuropathy type 4; INSENSITIVITY TO PAIN, CONGENITAL, WITH ANHIDROSIS; NEUROPATHY, CONGENITAL SENSORY, WITH ANHIDROSIS. Identifiers: Orphanet 642, MedGen C0020074, MONDO:0009746, OMIM 256800.

Allele frequency attached by ClinVar (database versions not stated): ExAC 0.00001; gnomAD exomes 0.00001; TOPMed 0.00001.
gnomAD v4.1: 21 of 1,612,872 alleles (0.0013%); highest among the groups gnomAD compares: Non-Finnish European, 0.0017%; no homozygotes.

Submissions (4):

Myriad Genetics, Inc.
Classification: Uncertain significance for Hereditary insensitivity to pain with anhidrosis. Last evaluated: 2026-02-19. Review status: criteria provided, single submitter. Criteria: Myriad Autosomal Dominant, Autosomal Recessive and X-Linked Classification Criteria (2023). Collection method: clinical testing. Allele origin: unknown.
Comment: NM_002529.3(NTRK1):c.988A>G(T330A) is a missense variant classified as a variant of uncertain significance in the context of congenital insensitivity to pain with anhidrosis, NTRK1-related. T330A has not been observed in cases with relevant disease. Relevant functional assessments of this variant are not available in the literature. T330A has been observed in referenced population frequency databases. In summary, there is insufficient evidence to classify NM_002529.3(NTRK1):c.988A>G(T330A) as pathogenic or benign. Please note: this variant was assessed in the context of healthy population screening.

Genome-Nilou Lab
Classification: Uncertain significance for Hereditary insensitivity to pain with anhidrosis. Last evaluated: 2023-04-11. Review status: criteria provided, single submitter. Criteria: ACMG Guidelines, 2015. Collection method: clinical testing. Allele origin: germline. Affected: no.

Fulgent Genetics
Classification: Uncertain significance for Hereditary insensitivity to pain with anhidrosis. Last evaluated: 2022-05-27. Review status: criteria provided, single submitter. Criteria: ACMG Guidelines, 2015. Collection method: clinical testing. Allele origin: unknown.

Labcorp Genetics (formerly Invitae), Labcorp
Classification: Uncertain significance for Hereditary insensitivity to pain with anhidrosis. Last evaluated: 2021-08-28. Review status: criteria provided, single submitter. Criteria: Invitae Variant Classification Sherloc (09022015). Collection method: clinical testing. Allele origin: germline.
Comment: This sequence change replaces threonine with alanine at codon 330 of the NTRK1 protein (p.Thr330Ala). The threonine residue is highly conserved and there is a small physicochemical difference between threonine and alanine. This variant is present in population databases (rs779155543, ExAC 0.002%). This variant has not been reported in the literature in individuals affected with NTRK1-related conditions. Algorithms developed to predict the effect of missense changes on protein structure and function are either unavailable or do not agree on the potential impact of this missense change (SIFT: "Tolerated"; PolyPhen-2: "Possibly Damaging"; Align-GVGD: "Class C0"). In summary, the available evidence is currently insufficient to determine the role of this variant in disease. Therefore, it has been classified as a Variant of Uncertain Significance.